The following is an entry in ClinVar:

NM_001001331.4(ATP2B2):c.2137-1G>A

Gene: ATP2B2 (ATPase plasma membrane Ca2+ transporting 2; minus strand). Cytogenetic location: 3p25.3.
Variant type: single nucleotide variant.
Coding change: c.2137-1G>A on transcript NM_001001331.4 (MANE Select); the canonical splice acceptor site of the intron before coding-DNA position 2137, G replaced by A.
Molecular consequence: splice acceptor variant.
Genome position (GRCh38, 1-based): chr3:10,350,578, C>T on the plus strand (G>A on the coding strand, the complement: ATP2B2 is on the minus strand). VCF-style: chr3-10350578-C-T. GRCh37 (hg19) VCF-style: chr3-10392262-C-T.
Other names: c.2002-1G>A (NM_001438036.1, NM_001353564.1, NM_001683.5 and 2 more transcripts); c.2044-1G>A (NM_001438646.1).
Identifiers: ClinVar variation 4999698 (VCV004999698.1).

ClinVar aggregate classification (germline): Uncertain significance (1 of 4 stars; one submission).

Conditions:
ATP2B2-related disorder. Also called: ATP2B2-related condition.

Submission:

PreventionGenetics, part of Exact Sciences
Classification: Uncertain significance for ATP2B2-related condition. Last evaluated: 2024-10-22. Review status: criteria provided, single submitter. Criteria: ACMG Guidelines, 2015. Collection method: clinical testing. Allele origin: germline.
Comment: The ATP2B2 c.2002-1G>A variant is predicted to disrupt the AG splice acceptor site and interfere with normal splicing. To our knowledge, this variant has not been reported in the literature or in a large population database (gnomAD), indicating this variant is rare. Although we suspect that this variant may be pathogenic, at this time, the clinical significance of this variant is uncertain due to the absence of conclusive functional and genetic evidence.